The following is an entry in ClinVar:

ClinVar aggregate classification (germline): Uncertain significance. Review status: criteria provided, multiple submitters, no conflicts (2 of 4 stars). 3 submissions from 3 submitters: Uncertain significance (3). Last evaluated 2025-03-31.

Allele frequency attached by ClinVar (database versions not stated): 1000 Genomes Project 0.00020; 1000 Genomes Project 30x 0.00031; ESP Exome Variant Server 0.00008.

Submissions (3):

Labcorp Genetics (formerly Invitae), Labcorp
Classification: Uncertain significance. Last evaluated: 2025-03-31. Review status: criteria provided, single submitter. Criteria: Invitae Variant Classification Sherloc (09022015). Collection method: clinical testing. Allele origin: germline.
Comment: This sequence change replaces arginine, which is basic and polar, with glycine, which is neutral and non-polar, at codon 122 of the NPAT protein (p.Arg122Gly). This variant is present in population databases (rs199851567, gnomAD 0.02%). This variant has not been reported in the literature in individuals affected with NPAT-related conditions. ClinVar contains an entry for this variant (Variation ID: 1336847). An algorithm developed to predict the effect of missense changes on protein structure and function (PolyPhen-2) suggests that this variant is likely to be disruptive. In summary, the available evidence is currently insufficient to determine the role of this variant in disease. Therefore, it has been classified as a Variant of Uncertain Significance.

Ambry Genetics
Classification: Uncertain significance. Last evaluated: 2024-11-12. Review status: criteria provided, single submitter. Criteria: Ambry Variant Classification Scheme 2023. Collection method: clinical testing. Allele origin: germline.

Genetic Services Laboratory, University of Chicago
Classification: Uncertain significance. Last evaluated: 2020-11-30. Review status: criteria provided, single submitter. Criteria: ACMG Guidelines, 2015. Collection method: clinical testing. Allele origin: germline. Affected: no.
Comment: This sequence change does not appear to have been previously described in patients with NPAT-related disorders and has been described in the gnomAD database with a low population frequency of 0.019% in non-Finnish European subpopulation (dbSNP rs199851567). The p.Arg122Gly change affects a highly conserved amino acid residue located in a domain of the NPAT protein that is not known to be functional. In-silico pathogenicity prediction tools (SIFT, PolyPhen2, Align GVGD, REVEL) provide contradictory results for the p.Arg122Gly substitution. Due to these contrasting evidences and the lack of functional studies, the clinical significance of the p.Arg122Gly change remains unknown at this time.

NM_002519.3(NPAT):c.364C>G (p.Arg122Gly)

Gene: NPAT (nuclear protein, coactivator of histone transcription; minus strand). Cytogenetic location: 11q22.3.
Variant type: single nucleotide variant.
Coding change: c.364C>G on transcript NM_002519.3 (MANE Select); coding-DNA position 364, C replaced by G.
Protein change: p.Arg122Gly; replaces arginine 122 with glycine.
Molecular consequence: missense variant.
Genome position (GRCh38, 1-based): chr11:108,189,298, G>C on the plus strand (C>G on the coding strand, the complement: NPAT is on the minus strand). VCF-style: chr11-108189298-G-C. GRCh37 (hg19) VCF-style: chr11-108060025-G-C.
Other names: c.364C>G, p.Arg122Gly (NM_001321307.1); short protein forms R122G.
Identifiers: ClinVar variation 1336847 (VCV001336847.10), dbSNP rs199851567, ClinGen allele CA6264306.